The following is an entry in ClinVar:

ClinVar aggregate classification (germline): Uncertain significance (1 of 4 stars; one submission).

gnomAD v4.1: 2 of 1,612,046 alleles (0.00012%); highest among the groups gnomAD compares: Non-Finnish European, 0.00017%; no homozygotes.

Submission:

CeGaT Center for Human Genetics Tuebingen
Classification: Uncertain significance. Last evaluated: 2025-05-01. Review status: criteria provided, single submitter. Criteria: CeGaT Center For Human Genetics Tuebingen Variant Classification Criteria Version 2. Collection method: clinical testing. Allele origin: germline. Affected: yes. Observed: 2 variant alleles.
Comment: AMHR2: PM2, PM3

NM_020547.3(AMHR2):c.50-30A>G

Gene: AMHR2 (anti-Mullerian hormone receptor type 2; plus strand). Cytogenetic location: 12q13.13.
Variant type: single nucleotide variant.
Coding change: c.50-30A>G on transcript NM_020547.3 (MANE Select); 30 bases into the intron before coding-DNA position 50, A replaced by G.
Molecular consequence: intron variant.
Genome position (GRCh38, 1-based): chr12:53,424,258, A>G. VCF-style: chr12-53424258-A-G. GRCh37 (hg19) VCF-style: chr12-53818042-A-G.
Other names: c.50-30A>G (NM_001164690.2, NM_001164691.2).
Identifiers: ClinVar variation 3778170 (VCV003778170.7).